The following is an entry in ClinVar:

NM_015693.4(INTU):c.559G>A (p.Gly187Arg)

Gene: INTU (inturned planar cell polarity protein; plus strand). Cytogenetic location: 4q28.1.
Variant type: single nucleotide variant.
Coding change: c.559G>A on transcript NM_015693.4 (MANE Select); coding-DNA position 559, G replaced by A.
Protein change: p.Gly187Arg; replaces glycine 187 with arginine.
Molecular consequence: missense variant.
Genome position (GRCh38, 1-based): chr4:127,643,933, G>A. VCF-style: chr4-127643933-G-A. GRCh37 (hg19) VCF-style: chr4-128565088-G-A.
Other names: short protein forms G187R.
Identifiers: ClinVar variation 3665476 (VCV003665476.2).

ClinVar aggregate classification (germline): Uncertain significance (1 of 4 stars; one submission).

Submission:

Labcorp Genetics (formerly Invitae), Labcorp
Classification: Uncertain significance. Last evaluated: 2025-01-21. Review status: criteria provided, single submitter. Criteria: Invitae Variant Classification Sherloc (09022015). Collection method: clinical testing. Allele origin: germline.
Comment: This sequence change replaces glycine, which is neutral and non-polar, with arginine, which is basic and polar, at codon 187 of the INTU protein (p.Gly187Arg). This variant is not present in population databases (gnomAD no frequency). This variant has not been reported in the literature in individuals affected with INTU-related conditions. Invitae Evidence Modeling of protein sequence and biophysical properties (such as structural, functional, and spatial information, amino acid conservation, physicochemical variation, residue mobility, and thermodynamic stability) indicates that this missense variant is expected to disrupt INTU protein function with a positive predictive value of 80%. In summary, the available evidence is currently insufficient to determine the role of this variant in disease. Therefore, it has been classified as a Variant of Uncertain Significance.